The following is an entry in ClinVar:

ClinVar aggregate classification (germline): Uncertain significance (1 of 4 stars; one submission).

Allele frequency attached by ClinVar (database versions not stated): gnomAD 0.00011; TOPMed 0.00012; 1000 Genomes Project 30x 0.00016; 1000 Genomes Project 0.00020.
gnomAD v4.1: 16 of 152,128 alleles (0.011%); highest among the groups gnomAD compares: East Asian, 0.019%; no homozygotes.

Submission:

GeneDx
Classification: Uncertain significance. Last evaluated: 2022-11-02. Review status: criteria provided, single submitter. Criteria: GeneDx Variant Classification Process June 2021. Collection method: clinical testing. Allele origin: germline. Affected: yes.
Comment: Located within the ZRS regulatory region (HGMD); Has not been previously published as pathogenic or benign to our knowledge

NM_022458.4(LMBR1):c.423+5284C>T

Genes: LMBR1 (limb development membrane protein 1; minus strand), ZRS (ZPA regulatory sequence; plus strand). Cytogenetic location: 7q36.3.
Variant type: single nucleotide variant.
Coding change: c.423+5284C>T on transcript NM_022458.4 (MANE Select); 5284 bases into the intron after coding-DNA position 423, C replaced by T.
Molecular consequence: intron variant.
Genome position (GRCh38, 1-based): chr7:156,791,105, G>A on the plus strand (C>T on the coding strand, the complement: LMBR1 is on the minus strand). VCF-style: chr7-156791105-G-A. GRCh37 (hg19) VCF-style: chr7-156583799-G-A.
Other names: c.360+5284C>T (NM_001363412.2); c.144+5284C>T (NM_001350954.2); c.423+5284C>T (NM_001363410.2, NM_001363409.2, NM_001350953.2); c.-112+5284C>T (NM_001350958.2, NM_001350956.2, NM_001350955.2 and 1 more transcripts); c.54+5284C>T (NM_001350957.2, NM_001363411.2).
Identifiers: ClinVar variation 2501308 (VCV002501308.1), dbSNP rs573417397, ClinGen allele CA169823441.